The following is an entry in ClinVar:

NM_016604.4(KDM3B):c.4289A>T (p.Lys1430Met)

Gene: KDM3B (lysine demethylase 3B; plus strand). Cytogenetic location: 5q31.2.
Variant type: single nucleotide variant.
Coding change: c.4289A>T on transcript NM_016604.4 (MANE Select); coding-DNA position 4289, A replaced by T.
Protein change: p.Lys1430Met; replaces lysine 1430 with methionine.
Molecular consequence: missense variant.
Genome position (GRCh38, 1-based): chr5:138,425,460, A>T. VCF-style: chr5-138425460-A-T. GRCh37 (hg19) VCF-style: chr5-137761149-A-T.
Other names: short protein forms K1430M.
Identifiers: ClinVar variation 4851427 (VCV004851427.1).

ClinVar aggregate classification (germline): Uncertain significance (1 of 4 stars; one submission).

Conditions:
Diets-Jongmans syndrome. Also called: INTELLECTUAL DEVELOPMENTAL DISORDER WITH DISTINCTIVE FACIAL DYSMORPHISM. Identifiers: MedGen C5394263, MONDO:0030012, OMIM 618846.

gnomAD v4.1: 5 of 1,614,176 alleles (0.00031%); highest among the groups gnomAD compares: Non-Finnish European, 0.00042%; no homozygotes.

Submission:

Institute of Immunology and Genetics Kaiserslautern
Classification: Uncertain significance for Diets-Jongmans syndrome. Last evaluated: 2026-03-16. Review status: criteria provided, single submitter. Criteria: ACMG Guidelines, 2015. Collection method: clinical testing. Allele origin: germline. Affected: yes.
Comment: ACMG Criteria: PM2_P; Variant was found in heterozygous state.